The following is an entry in ClinVar:

ClinVar aggregate classification (germline): Uncertain significance (1 of 4 stars; one submission).

gnomAD v4.1: 42 of 1,613,860 alleles (0.0026%); highest among the groups gnomAD compares: Non-Finnish European, 0.0033%; no homozygotes.

Submission:

Labcorp Genetics (formerly Invitae), Labcorp
Classification: Uncertain significance. Last evaluated: 2025-01-01. Review status: criteria provided, single submitter. Criteria: Invitae Variant Classification Sherloc (09022015). Collection method: clinical testing. Allele origin: germline.
Comment: This sequence change falls in intron 8 of the FN1 gene. It does not directly change the encoded amino acid sequence of the FN1 protein. It affects a nucleotide within the consensus splice site. This variant is present in population databases (rs764886819, gnomAD 0.005%). This variant has not been reported in the literature in individuals affected with FN1-related conditions. Variants that disrupt the consensus splice site are a relatively common cause of aberrant splicing (PMID: 17576681, 9536098). Algorithms developed to predict the effect of sequence changes on RNA splicing suggest that this variant is not likely to affect RNA splicing. In summary, the available evidence is currently insufficient to determine the role of this variant in disease. Therefore, it has been classified as a Variant of Uncertain Significance.

Literature cited by the submitters: PubMed 17576681; PubMed 9536098.

NM_212482.4(FN1):c.1216+3G>A

Genes: FN1 (fibronectin 1; minus strand), LOC126806498 (CDK7 strongly-dependent group 2 enhancer GRCh37_chr2:216288045-216289244; plus strand). Cytogenetic location: 2q35.
Variant type: single nucleotide variant.
Coding change: c.1216+3G>A on transcript NM_212482.4 (MANE Select); 3 bases into the intron after coding-DNA position 1216, G replaced by A.
Molecular consequence: intron variant.
Genome position (GRCh38, 1-based): chr2:215,424,143, C>T on the plus strand (G>A on the coding strand, the complement: FN1 is on the minus strand). VCF-style: chr2-215424143-C-T. GRCh37 (hg19) VCF-style: chr2-216288866-C-T.
Other names: c.1216+3G>A (NM_001365523.2, NM_001306131.2, NM_212476.3 and 14 more transcripts).
Identifiers: ClinVar variation 3712628 (VCV003712628.2).